The following is an entry in ClinVar:

NM_000214.3(JAG1):c.31G>C (p.Gly11Arg)

Gene: JAG1 (jagged canonical Notch ligand 1; minus strand). Cytogenetic location: 20p12.2.
Variant type: single nucleotide variant.
Coding change: c.31G>C on transcript NM_000214.3 (MANE Select); coding-DNA position 31, G replaced by C.
Protein change: p.Gly11Arg; replaces glycine 11 with arginine.
Molecular consequence: missense variant.
Genome position (GRCh38, 1-based): chr20:10,673,500, C>G on the plus strand (G>C on the coding strand, the complement: JAG1 is on the minus strand). VCF-style: chr20-10673500-C-G. GRCh37 (hg19) VCF-style: chr20-10654148-C-G.
Other names: short protein forms G11R.
Identifiers: ClinVar variation 3573207 (VCV003573207.2).

Conditions:
Arteriohepatic dysplasia. Also called: Alagille Syndrome. Identifiers: Orphanet 52, MedGen C0085280, MeSH D016738, MONDO:0007318.

gnomAD v4.1: 1 of 1,272,690 alleles (0.000079%); highest among the groups gnomAD compares: South Asian, 0.0031%; no homozygotes.

Submission:

Gilbert/Spinner Lab, Children's Hospital of Philadelphia
No classification provided (evidence only). Condition: Alagille syndrome. Review status: no classification provided. Collection method: research. Allele origin: not applicable. Functional consequence: functionally_abnormal.
ClinVar note: "not provided" was previously submitted as the classification for the variant. However, the classification appeared to be based only on an observation of functional data so it was converted to no classification on 2025-07-30.